The following is an entry in ClinVar:

NM_001942.4(DSG1):c.2835T>G (p.Asn945Lys)

Genes: DSG1 (desmoglein 1; plus strand), DSG1-AS1 (DSG1 antisense RNA 1; minus strand). Cytogenetic location: 18q12.1.
Variant type: single nucleotide variant.
Coding change: c.2835T>G on transcript NM_001942.4 (MANE Select); coding-DNA position 2835, T replaced by G.
Protein change: p.Asn945Lys; replaces asparagine 945 with lysine.
Molecular consequence: missense variant.
Genome position (GRCh38, 1-based): chr18:31,355,031, T>G. VCF-style: chr18-31355031-T-G. GRCh37 (hg19) VCF-style: chr18-28934994-T-G.
Other names: short protein forms N945K.
Identifiers: ClinVar variation 3647478 (VCV003647478.2).

ClinVar aggregate classification (germline): Uncertain significance (1 of 4 stars; one submission).

Submission:

Labcorp Genetics (formerly Invitae), Labcorp
Classification: Uncertain significance. Last evaluated: 2024-03-24. Review status: criteria provided, single submitter. Criteria: Invitae Variant Classification Sherloc (09022015). Collection method: clinical testing. Allele origin: germline.
Comment: This sequence change replaces asparagine, which is neutral and polar, with lysine, which is basic and polar, at codon 945 of the DSG1 protein (p.Asn945Lys). This variant is not present in population databases (gnomAD no frequency). This variant has not been reported in the literature in individuals affected with DSG1-related conditions. An algorithm developed to predict the effect of missense changes on protein structure and function (PolyPhen-2) suggests that this variant is likely to be tolerated. In summary, the available evidence is currently insufficient to determine the role of this variant in disease. Therefore, it has been classified as a Variant of Uncertain Significance.